The following is an entry in ClinVar:

ClinVar aggregate classification (germline): Conflicting classifications of pathogenicity. Review status: criteria provided, conflicting classifications (1 of 4 stars). 6 submissions from 5 submitters: Uncertain significance (5); Likely benign (1). Last evaluated 2025-10-06.

Conditions:
Cardiovascular phenotype. Identifiers: MedGen CN230736.
Fibromatosis, gingival, 1 (GINGF1). Identifiers: Orphanet 2024, MedGen C4551558, MONDO:0007609, OMIM 135300.
Noonan syndrome 4 (NS4). Also called: SOS1-Related Noonan Syndrome; NOONAN SYNDROME WITH PIGMENTED VILLONODULAR SYNOVITIS. Identifiers: Orphanet 648, MedGen C1853120, MONDO:0012547, OMIM 610733.
Noonan syndrome and Noonan-related syndrome. Identifiers: Orphanet 98733, MedGen C5681679, MONDO:0020297.
RASopathy. Also called: rasopathies; Noonan spectrum disorder. Identifiers: Orphanet 536391, MedGen C5555857, MONDO:0021060.

Allele frequency attached by ClinVar (database versions not stated): gnomAD exomes below 0.00001.
gnomAD v4.1: 3 of 1,524,928 alleles (0.0002%); highest among the groups gnomAD compares: Non-Finnish European, 0.00027%; no homozygotes.

Submissions (6):

Labcorp Genetics (formerly Invitae), Labcorp
Classification: Uncertain significance for RASopathy. Last evaluated: 2025-10-06. Review status: criteria provided, single submitter. Criteria: Invitae Variant Classification Sherloc (09022015). Collection method: clinical testing. Allele origin: germline.
Comment: This sequence change replaces isoleucine, which is neutral and non-polar, with methionine, which is neutral and non-polar, at codon 645 of the SOS1 protein (p.Ile645Met). This variant is not present in population databases (gnomAD no frequency). This variant has not been reported in the literature in individuals affected with SOS1-related conditions. ClinVar contains an entry for this variant (Variation ID: 1334293). Invitae Evidence Modeling of protein sequence and biophysical properties (such as structural, functional, and spatial information, amino acid conservation, physicochemical variation, residue mobility, and thermodynamic stability) indicates that this missense variant is not expected to disrupt SOS1 protein function with a negative predictive value of 95%. In summary, the available evidence is currently insufficient to determine the role of this variant in disease. Therefore, it has been classified as a Variant of Uncertain Significance.

Ambry Genetics
Classification: Likely benign for Cardiovascular phenotype. Last evaluated: 2025-06-18. Review status: criteria provided, single submitter. Criteria: Ambry Variant Classification Scheme 2023. Collection method: clinical testing. Allele origin: germline.

Blueprint Genetics
Classification: Uncertain significance. Last evaluated: 2024-11-18. Review status: criteria provided, single submitter. Criteria: ACMG Guidelines, 2015. Collection method: clinical testing. Allele origin: germline.

Genome Diagnostics Laboratory, The Hospital for Sick Children
Classification: Uncertain significance for Noonan syndrome and Noonan-related syndrome. Last evaluated: 2020-09-25. Review status: criteria provided, single submitter. Criteria: ACMG Guidelines, 2015. Collection method: clinical testing. Allele origin: germline.

Genome-Nilou Lab
Classification: Uncertain significance for Noonan syndrome 4. Review status: criteria provided, single submitter. Criteria: ACMG Guidelines, 2015. Collection method: clinical testing. Allele origin: germline.

Genome-Nilou Lab
Classification: Uncertain significance for Fibromatosis, gingival, 1. Review status: criteria provided, single submitter. Criteria: ACMG Guidelines, 2015. Collection method: clinical testing. Allele origin: germline.

NM_005633.4(SOS1):c.1935A>G (p.Ile645Met)

Gene: SOS1 (SOS Ras/Rac guanine nucleotide exchange factor 1; minus strand). Cytogenetic location: 2p22.1.
Variant type: single nucleotide variant.
Coding change: c.1935A>G on transcript NM_005633.4 (MANE Select); coding-DNA position 1935, A replaced by G.
Protein change: p.Ile645Met; replaces isoleucine 645 with methionine.
Molecular consequence: missense variant.
Genome position (GRCh38, 1-based): chr2:39,014,770, T>C on the plus strand (A>G on the coding strand, the complement: SOS1 is on the minus strand). VCF-style: chr2-39014770-T-C. GRCh37 (hg19) VCF-style: chr2-39241911-T-C.
Other names: c.1914A>G, p.Ile638Met (NM_001382394.1); c.1935A>G, p.Ile645Met (NM_001382395.1); short protein forms I638M, I645M.
Identifiers: ClinVar variation 1334293 (VCV001334293.13), dbSNP rs2124520154, ClinGen allele CA346365047.